The following is an entry in ClinVar:

ClinVar aggregate classification (germline): Benign. Review status: criteria provided, multiple submitters, no conflicts (2 of 4 stars). 8 submissions from 8 submitters: Benign (5). 3 of the submissions do not count toward it. Last evaluated 2026-02-04.

Conditions:
Occipital pachygyria and polymicrogyria. Identifiers: Orphanet 280640, MedGen C3279875, MONDO:0013583, OMIM 614115.

Allele frequency attached by ClinVar (database versions not stated): 1000 Genomes Project 0.84824; 1000 Genomes Project 30x 0.85056; TOPMed 0.85953; ESP Exome Variant Server 0.87117.
gnomAD v4.1: 1,314,502 of 1,612,982 alleles (81%); highest among the groups gnomAD compares: African/African-American, 94%; 537,315 homozygotes.

Submissions (8):

Labcorp Genetics (formerly Invitae), Labcorp
Classification: Benign. Last evaluated: 2026-02-04. Review status: criteria provided, single submitter. Criteria: Invitae Variant Classification Sherloc (09022015). Collection method: clinical testing. Allele origin: germline.

Blueprint Genetics
Classification: Benign. Last evaluated: 2024-11-27. Review status: criteria provided, single submitter. Criteria: ACMG Guidelines, 2015. Collection method: clinical testing. Allele origin: germline.

Genome-Nilou Lab
Classification: Benign for Occipital pachygyria and polymicrogyria. Last evaluated: 2021-08-19. Review status: criteria provided, single submitter. Criteria: ACMG Guidelines, 2015. Collection method: clinical testing. Allele origin: germline. Affected: no.

GeneDx
Classification: Benign. Last evaluated: 2015-03-03. Review status: criteria provided, single submitter. Criteria: GeneDx Variant Classification Process June 2021. Collection method: clinical testing. Allele origin: germline. Affected: yes.

Breakthrough Genomics
Classification: Benign. Review status: criteria provided, single submitter. Criteria: ACMG Guidelines, 2015. Collection method: not provided. Allele origin: germline. Inheritance: Autosomal recessive inheritance. Affected: yes.

Clinical Genetics DNA and cytogenetics Diagnostics Lab, Erasmus MC, Erasmus Medical Center
Classification: Benign. Review status: no assertion criteria provided. Collection method: clinical testing. Allele origin: germline. Affected: yes. Study: VKGL Data-share Consensus. Not counted in ClinVar's aggregate classification.

Diagnostic Laboratory, Department of Genetics, University Medical Center Groningen
Classification: Benign for Occipital pachygyria and polymicrogyria. Review status: no assertion criteria provided. Collection method: clinical testing. Allele origin: germline. Affected: yes. Study: VKGL Data-share Consensus. Not counted in ClinVar's aggregate classification.

Genetic Services Laboratory, University of Chicago
Classification: Likely benign for AllHighlyPenetrant. Review status: no assertion criteria provided. Collection method: clinical testing. Allele origin: germline. Inheritance: X-linked inheritance. Not counted in ClinVar's aggregate classification.
Comment: Likely benign based on allele frequency in 1000 Genomes Project or ESP global frequency and its presence in a patient with a rare or unrelated disease phenotype. NOT Sanger confirmed.

NM_006059.4(LAMC3):c.855A>G (p.Ala285=)

Gene: LAMC3 (laminin subunit gamma 3; plus strand). Cytogenetic location: 9q34.12.
Variant type: single nucleotide variant.
Coding change: c.855A>G on transcript NM_006059.4 (MANE Select); coding-DNA position 855, A replaced by G.
Protein change: p.Ala285=; no amino-acid change (alanine 285 retained).
Molecular consequence: synonymous variant.
Genome position (GRCh38, 1-based): chr9:131,036,211, A>G. VCF-style: chr9-131036211-A-G. GRCh37 (hg19) VCF-style: chr9-133911598-A-G.
Identifiers: ClinVar variation 129474 (VCV000129474.21), dbSNP rs2275132, ClinGen allele CA153514.